The following is an entry in ClinVar:

NM_203395.3(IYD):c.537C>A (p.Asn179Lys)

Gene: IYD (iodotyrosine deiodinase; plus strand). Cytogenetic location: 6q25.1.
Variant type: single nucleotide variant.
Coding change: c.537C>A on transcript NM_203395.3 (MANE Select); coding-DNA position 537, C replaced by A.
Protein change: p.Asn179Lys; replaces asparagine 179 with lysine.
Molecular consequence: missense variant. On other transcripts: non-coding transcript variant (1).
Genome position (GRCh38, 1-based): chr6:150,394,105, C>A. VCF-style: chr6-150394105-C-A. GRCh37 (hg19) VCF-style: chr6-150715241-C-A.
Other names: c.537C>A, p.Asn179Lys (NM_001164694.2, NM_001164695.2); c.291C>A, p.Asn97Lys (NM_001318495.2); c.537C>A (NM_001164694.1); short protein forms N97K, N179K.
Identifiers: ClinVar variation 745865 (VCV000745865.5), dbSNP rs377149859, ClinGen allele CA4047059.

ClinVar aggregate classification (germline): Likely benign. Review status: criteria provided, single submitter (1 of 4 stars). 2 submissions from 2 submitters: Likely benign (1). 1 of the submissions does not count toward it. Last evaluated 2018-06-01.

Conditions:
IYD-related disorder. Also called: IYD-related condition.

Allele frequency attached by ClinVar (database versions not stated): gnomAD 0.00001 and 0.00014; TOPMed 0.00003; ESP Exome Variant Server 0.00008; gnomAD exomes 0.00026 and 0.00052; ExAC 0.00056; 1000 Genomes Project 30x 0.00109; 1000 Genomes Project 0.00140.
gnomAD v4.1: 400 of 1,614,054 alleles (0.025%); highest among the groups gnomAD compares: South Asian, 0.42%; 9 homozygotes.

Submissions (2):

Labcorp Genetics (formerly Invitae), Labcorp
Classification: Likely benign. Last evaluated: 2018-06-01. Review status: criteria provided, single submitter. Criteria: Invitae Variant Classification Sherloc (09022015). Collection method: clinical testing. Allele origin: germline.

PreventionGenetics, part of Exact Sciences
Classification: Likely benign for IYD-related condition. Last evaluated: 2022-01-03. Review status: no assertion criteria provided. Collection method: clinical testing. Allele origin: germline. Not counted in ClinVar's aggregate classification.
Comment: This variant is classified as likely benign based on ACMG/AMP sequence variant interpretation guidelines (Richards et al. 2015 PMID: 25741868, with internal and published modifications).